The following is an entry in ClinVar:

ClinVar aggregate classification (germline): Conflicting classifications of pathogenicity. Review status: criteria provided, conflicting classifications (1 of 4 stars). 2 submissions from 2 submitters: Uncertain significance (1); Likely benign (1). Last evaluated 2026-01-05.

Conditions:
Hereditary breast ovarian cancer syndrome. Also called: Hereditary breast and ovarian cancer syndrome (HBOC); Breast and ovarian cancer; Hereditary breast and ovarian cancer; Hereditary breast and ovarian cancer syndrome; BRCA1- and BRCA2-Associated Hereditary Breast and Ovarian Cancer; Hereditary breast and/or ovarian cancer syndrome. Identifiers: Orphanet 145, MedGen C0677776, MeSH D061325, MONDO:0003582. Disease mechanism: loss of function.

Submissions (2):

Labcorp Genetics (formerly Invitae), Labcorp
Classification: Uncertain significance for Hereditary breast ovarian cancer syndrome. Last evaluated: 2026-01-05. Review status: criteria provided, single submitter. Criteria: Invitae Variant Classification Sherloc (09022015). Collection method: clinical testing. Allele origin: germline.
Comment: This sequence change replaces serine, which is neutral and polar, with threonine, which is neutral and polar, at codon 1667 of the BRCA2 protein (p.Ser1667Thr). This variant is not present in population databases (gnomAD no frequency). This variant has not been reported in the literature in individuals affected with BRCA2-related conditions. ClinVar contains an entry for this variant (Variation ID: 2683738). Invitae Evidence Modeling of protein sequence and biophysical properties (such as structural, functional, and spatial information, amino acid conservation, physicochemical variation, residue mobility, and thermodynamic stability) indicates that this missense variant is not expected to disrupt BRCA2 protein function with a negative predictive value of 95%. In summary, the available evidence is currently insufficient to determine the role of this variant in disease. Therefore, it has been classified as a Variant of Uncertain Significance.

German Consortium for Hereditary Breast and Ovarian Cancer, University Hospital Cologne
Classification: Likely benign for Hereditary breast ovarian cancer syndrome. Last evaluated: 2023-11-14. Review status: criteria provided, single submitter. Criteria: ClinGen BRCA2 V1.0.0. Collection method: curation. Allele origin: germline.
Comment: Coldspot variant, BP1_str. According to the ClinGen ENIGMA BRCA2 v1.0.0 criteria we chose this criterium: BP1 (strong benign): missense variant outside a (potentially) clinically important functional domain AND no splicing predicted (SpliceAI ≤0.1)

NM_000059.4(BRCA2):c.4999T>A (p.Ser1667Thr)

Gene: BRCA2 (BRCA2 DNA repair associated; plus strand). Cytogenetic location: 13q13.1.
Variant type: single nucleotide variant.
Coding change: c.4999T>A on transcript NM_000059.4 (MANE Select); coding-DNA position 4999, T replaced by A.
Protein change: p.Ser1667Thr; replaces serine 1667 with threonine.
Molecular consequence: missense variant. On other transcripts: non-coding transcript variant (1), intron variant (2).
Genome position (GRCh38, 1-based): chr13:32,339,354, T>A. VCF-style: chr13-32339354-T-A. GRCh37 (hg19) VCF-style: chr13-32913491-T-A.
Other names: c.4999T>A, p.Ser1667Thr (NM_001406719.1, NM_001406720.1); c.1910-5204T>A (NM_001406721.1); c.425-5204T>A (NM_001406722.1); short protein forms S1667T.
Identifiers: ClinVar variation 2683738 (VCV002683738.2), dbSNP rs2137512613, ClinGen allele CA387783914.
Genomic context (GRCh38, chr13:32,339,354, plus strand): 5'-ACAGCAAAAAGTCCTGCAACTTGTTACACAAATCAGTCCCCTTATTCAGTCATTGAAAAT[T>A]CAGCCTTAGCTTTTTACACAAGTTGTAGTAGAAAAACTTCTGTGAGTCAGACTTCATTAC-3'
Protein context (NP_000050.3, residues 1657-1677): NQSPYSVIEN[Ser1667Thr]ALAFYTSCSR